The following is an entry in ClinVar:

NM_005529.7(HSPG2):c.242T>C (p.Met81Thr)

Gene: HSPG2 (heparan sulfate proteoglycan 2; minus strand). Cytogenetic location: 1p36.12.
Variant type: single nucleotide variant.
Coding change: c.242T>C on transcript NM_005529.7 (MANE Select); coding-DNA position 242, T replaced by C.
Protein change: p.Met81Thr; replaces methionine 81 with threonine.
Molecular consequence: missense variant.
Genome position (GRCh38, 1-based): chr1:21,895,924, A>G on the plus strand (T>C on the coding strand, the complement: HSPG2 is on the minus strand). VCF-style: chr1-21895924-A-G. GRCh37 (hg19) VCF-style: chr1-22222417-A-G.
Other names: c.242T>C, p.Met81Thr (NM_001291860.2); short protein forms M81T.
Identifiers: ClinVar variation 1309600 (VCV001309600.5), dbSNP rs374829303, ClinGen allele CA673971.
Genomic context (GRCh38, chr1:21,895,924, plus strand): 5'-CTCTGGGGCTTCCCTGGGGGACAGGAGGGAGACCTGCAGGAGGCCTGCAGCAACTTACCC[A>G]TCTGGAAGTCCCCGCTGCCCAGGTCCCCACTGCCCAGGTCGTCTATAAGCAAAAAAGAGA-3'
Protein context (NP_005520.4, residues 71-91): SGDLGSGDFQ[Met81Thr]VYFRALVNFT

ClinVar aggregate classification (germline): Uncertain significance. Review status: criteria provided, multiple submitters, no conflicts (2 of 4 stars). 2 submissions from 2 submitters: Uncertain significance (2). Last evaluated 2025-12-15.

Conditions:
Inborn genetic diseases. Identifiers: MedGen C0950123, MeSH D030342.

Allele frequency attached by ClinVar (database versions not stated): ExAC 0.00001; gnomAD exomes 0.00001; gnomAD 0.00002; TOPMed 0.00002.
gnomAD v4.1: 19 of 1,613,920 alleles (0.0012%); highest among the groups gnomAD compares: Non-Finnish European, 0.0014%; no homozygotes.

Submissions (2):

Ambry Genetics
Classification: Uncertain significance for Inborn genetic diseases. Last evaluated: 2025-12-15. Review status: criteria provided, single submitter. Criteria: Ambry Variant Classification Scheme 2023. Collection method: clinical testing. Allele origin: germline.

GeneDx
Classification: Uncertain significance. Last evaluated: 2021-01-18. Review status: criteria provided, single submitter. Criteria: GeneDx Variant Classification Process June 2021. Collection method: clinical testing. Allele origin: germline. Affected: yes.
Comment: Not observed at a significant frequency in large population cohorts (Lek et al., 2016); In silico analysis supports that this missense variant has a deleterious effect on protein structure/function; Has not been previously published as pathogenic or benign to our knowledge